The following is an entry in ClinVar:

NM_004752.4(GCM2):c.1136T>A (p.Leu379Gln)

Gene: GCM2 (glial cells missing transcription factor 2; minus strand). Cytogenetic location: 6p24.2.
Variant type: single nucleotide variant.
Coding change: c.1136T>A on transcript NM_004752.4 (MANE Select); coding-DNA position 1136, T replaced by A.
Protein change: p.Leu379Gln; replaces leucine 379 with glutamine.
Molecular consequence: missense variant.
Genome position (GRCh38, 1-based): chr6:10,874,380, A>T on the plus strand (T>A on the coding strand, the complement: GCM2 is on the minus strand). VCF-style: chr6-10874380-A-T. GRCh37 (hg19) VCF-style: chr6-10874613-A-T.
Other names: short protein forms L379Q.
Identifiers: ClinVar variation 375598 (VCV000375598.2), dbSNP rs1057519582.

ClinVar aggregate classification (germline): Uncertain significance (1 of 4 stars; one submission).

Allele frequency attached by ClinVar (database versions not stated): gnomAD exomes below 0.00001.
gnomAD v4.1: 1 of 1,614,178 alleles (0.000062%); highest among the groups gnomAD compares: Non-Finnish European, 0.000085%; no homozygotes.

Submission:

GeneDx
Classification: Uncertain significance. Last evaluated: 2025-03-28. Review status: criteria provided, single submitter. Criteria: GeneDx Variant Classification Process June 2021. Collection method: clinical testing. Allele origin: germline. Affected: yes.
Comment: Reported in cis with p.(Q251E) in two unrelated kindreds with familial isolated hyperparathyroidism (PMID: 27745835); Published functional studies suggest a damaging effect on transcriptional activation (PMID: 27745835); In silico analysis supports that this missense variant has a deleterious effect on protein structure/function; Not observed at significant frequency in large population cohorts (gnomAD); This variant is associated with the following publications: (PMID: 37362385, 33536578, Sarkadi2018[article], 27745835, 29264504, 34967908, 30624640)